The following is an entry in ClinVar:

ClinVar aggregate classification (germline): Uncertain significance (1 of 4 stars; one submission).

Submission:

GeneDx
Classification: Uncertain significance. Last evaluated: 2024-02-29. Review status: criteria provided, single submitter. Criteria: GeneDx Variant Classification Process June 2021. Collection method: clinical testing. Allele origin: germline. Affected: yes.
Comment: Not observed at significant frequency in large population cohorts (gnomAD); Missense variants in this gene are a common cause of disease and they are underrepresented in the general population; In silico analysis supports that this missense variant does not alter protein structure/function; Has not been previously published as pathogenic or benign to our knowledge

NM_002880.4(RAF1):c.1039A>G (p.Ser347Gly)

Gene: RAF1 (Raf-1 proto-oncogene, serine/threonine kinase; minus strand). Cytogenetic location: 3p25.2.
Variant type: single nucleotide variant.
Coding change: c.1039A>G on transcript NM_002880.4 (MANE Select); coding-DNA position 1039, A replaced by G.
Protein change: p.Ser347Gly; replaces serine 347 with glycine.
Molecular consequence: missense variant. On other transcripts: non-coding transcript variant (3).
Genome position (GRCh38, 1-based): chr3:12,599,760, T>C on the plus strand (A>G on the coding strand, the complement: RAF1 is on the minus strand). VCF-style: chr3-12599760-T-C. GRCh37 (hg19) VCF-style: chr3-12641259-T-C.
Other names: c.1099A>G, p.Ser367Gly (NM_001354689.3); c.1039A>G, p.Ser347Gly (NM_001354690.3); c.796A>G, p.Ser266Gly (NM_001354691.3, NM_001354692.3); c.940A>G, p.Ser314Gly (NM_001354693.3); c.856A>G, p.Ser286Gly (NM_001354694.3); c.697A>G, p.Ser233Gly (NM_001354695.3); short protein forms S233G, S266G, S286G, S314G, S347G, S367G.
Identifiers: ClinVar variation 3340258 (VCV003340258.1).